The following is an entry in ClinVar:

NM_006939.4(SOS2):c.181A>C (p.Met61Leu)

Gene: SOS2 (SOS Ras/Rho guanine nucleotide exchange factor 2; minus strand). Cytogenetic location: 14q21.3.
Variant type: single nucleotide variant.
Coding change: c.181A>C on transcript NM_006939.4 (MANE Select); coding-DNA position 181, A replaced by C.
Protein change: p.Met61Leu; replaces methionine 61 with leucine.
Molecular consequence: missense variant.
Genome position (GRCh38, 1-based): chr14:50,204,316, T>G on the plus strand (A>C on the coding strand, the complement: SOS2 is on the minus strand). VCF-style: chr14-50204316-T-G. GRCh37 (hg19) VCF-style: chr14-50671034-T-G.
Other names: c.181A>C, p.Met61Leu (NM_001411020.1); short protein forms M61L.
Identifiers: ClinVar variation 1780727 (VCV001780727.2), dbSNP rs774761716, ClinGen allele CA389651103.
Genomic context (GRCh38, chr14:50,204,316, plus strand): 5'-CTTTTTGAAATGACAAAATAATTTTTACCTCTACATCTTGAACAGTCCTTGGCTGGGCCA[T>G]GCATAATTTATTAAGCAGCTGAAAAATCAGCTCTTCAATATAATAGAGAGACTCTTCATT-3'
Protein context (NP_008870.2, residues 51-71): LIFQLLNKLC[Met61Leu]AQPRTVQDVE

ClinVar aggregate classification (germline): Uncertain significance (1 of 4 stars; one submission).

Conditions:
Cardiovascular phenotype. Identifiers: MedGen CN230736.

gnomAD v4.1: 1 of 1,604,842 alleles (0.000062%); highest among the groups gnomAD compares: African/African-American, 0.0013%; no homozygotes.

Submission:

Ambry Genetics
Classification: Uncertain significance for Cardiovascular phenotype. Last evaluated: 2021-12-29. Review status: criteria provided, single submitter. Criteria: Ambry Variant Classification Scheme 2023. Collection method: clinical testing. Allele origin: germline.
Comment: The p.M61L variant (also known as c.181A>C), located in coding exon 2 of the SOS2 gene, results from an A to C substitution at nucleotide position 181. The methionine at codon 61 is replaced by leucine, an amino acid with highly similar properties. This amino acid position is conserved. In addition, this alteration is predicted to be tolerated by in silico analysis. Since supporting evidence is limited at this time, the clinical significance of this alteration remains unclear.